The following is an entry in ClinVar:

ClinVar aggregate classification (germline): Uncertain significance (1 of 4 stars; one submission).

Conditions:
Hereditary cancer-predisposing syndrome. Also called: Neoplastic Syndromes, Hereditary; Tumor predisposition; Hereditary Cancer Syndrome; Hereditary neoplastic syndrome. Identifiers: Orphanet 140162, MedGen C0027672, MeSH D009386, MONDO:0015356.

gnomAD v4.1: 3 of 1,614,182 alleles (0.00019%); highest among the groups gnomAD compares: Non-Finnish European, 0.00025%; no homozygotes.

Submission:

Ambry Genetics
Classification: Uncertain significance for Hereditary cancer-predisposing syndrome. Last evaluated: 2022-10-31. Review status: criteria provided, single submitter. Criteria: Ambry Variant Classification Scheme 2023. Collection method: clinical testing. Allele origin: germline.
Comment: The p.D128Y variant (also known as c.382G>T), located in coding exon 3 of the EPCAM gene, results from a G to T substitution at nucleotide position 382. The aspartic acid at codon 128 is replaced by tyrosine, an amino acid with highly dissimilar properties. This amino acid position is conserved. In addition, the in silico prediction for this alteration is inconclusive. Since supporting evidence is limited at this time, the clinical significance of this alteration remains unclear.

NM_002354.3(EPCAM):c.382G>T (p.Asp128Tyr)

Gene: EPCAM (epithelial cell adhesion molecule; plus strand). Cytogenetic location: 2p21.
Variant type: single nucleotide variant.
Coding change: c.382G>T on transcript NM_002354.3 (MANE Select); coding-DNA position 382, G replaced by T.
Protein change: p.Asp128Tyr; replaces aspartic acid 128 with tyrosine.
Molecular consequence: missense variant.
Genome position (GRCh38, 1-based): chr2:47,374,005, G>T. VCF-style: chr2-47374005-G-T. GRCh37 (hg19) VCF-style: chr2-47601144-G-T.
Other names: short protein forms D128Y.
Identifiers: ClinVar variation 1735344 (VCV001735344.3), dbSNP rs1048436074, ClinGen allele CA46691915.